The following is an entry in ClinVar:

NM_032608.7(MYO18B):c.4136T>A (p.Val1379Asp)

Gene: MYO18B (myosin XVIIIB; plus strand). Cytogenetic location: 22q12.1.
Variant type: single nucleotide variant.
Coding change: c.4136T>A on transcript NM_032608.7 (MANE Select); coding-DNA position 4136, T replaced by A.
Protein change: p.Val1379Asp; replaces valine 1379 with aspartic acid.
Molecular consequence: missense variant.
Genome position (GRCh38, 1-based): chr22:25,876,244, T>A. VCF-style: chr22-25876244-T-A. GRCh37 (hg19) VCF-style: chr22-26272211-T-A.
Other names: c.4139T>A, p.Val1380Asp (NM_001318245.2); short protein forms V1379D, V1380D.
Identifiers: ClinVar variation 2900694 (VCV002900694.1), dbSNP rs369855506, ClinGen allele CA10160773.

ClinVar aggregate classification (germline): Uncertain significance (1 of 4 stars; one submission).

Allele frequency attached by ClinVar (database versions not stated): gnomAD exomes 0.00001; ExAC 0.00003; gnomAD 0.00005; ESP Exome Variant Server 0.00016; 1000 Genomes Project 0.00020; 1000 Genomes Project 30x 0.00031.
gnomAD v4.1: 17 of 1,613,604 alleles (0.0011%); highest among the groups gnomAD compares: African/African-American, 0.017%; no homozygotes.

Submission:

Labcorp Genetics (formerly Invitae), Labcorp
Classification: Uncertain significance. Last evaluated: 2023-04-07. Review status: criteria provided, single submitter. Criteria: Invitae Variant Classification Sherloc (09022015). Collection method: clinical testing. Allele origin: germline.
Comment: In summary, the available evidence is currently insufficient to determine the role of this variant in disease. Therefore, it has been classified as a Variant of Uncertain Significance. An algorithm developed to predict the effect of missense changes on protein structure and function (PolyPhen-2) suggests that this variant is likely to be disruptive. This variant has not been reported in the literature in individuals affected with MYO18B-related conditions. This variant is present in population databases (rs369855506, gnomAD 0.03%). This sequence change replaces valine, which is neutral and non-polar, with aspartic acid, which is acidic and polar, at codon 1379 of the MYO18B protein (p.Val1379Asp).